The following is an entry in ClinVar:

ClinVar aggregate classification (germline): Uncertain significance. Review status: criteria provided, multiple submitters, no conflicts (2 of 4 stars). 2 submissions from 2 submitters: Uncertain significance (2). Last evaluated 2025-02-13.

gnomAD v4.1: 10 of 1,612,816 alleles (0.00062%); highest among the groups gnomAD compares: Non-Finnish European, 0.00085%; no homozygotes.

Submissions (2):

Labcorp Genetics (formerly Invitae), Labcorp
Classification: Uncertain significance. Last evaluated: 2025-02-13. Review status: criteria provided, single submitter. Criteria: Invitae Variant Classification Sherloc (09022015). Collection method: clinical testing. Allele origin: germline.
Comment: This sequence change replaces serine, which is neutral and polar, with threonine, which is neutral and polar, at codon 89 of the ZNF513 protein (p.Ser89Thr). This variant is present in population databases (rs772723764, gnomAD 0.0009%). This variant has not been reported in the literature in individuals affected with ZNF513-related conditions. ClinVar contains an entry for this variant (Variation ID: 3476605). An algorithm developed to predict the effect of missense changes on protein structure and function (PolyPhen-2) suggests that this variant is likely to be tolerated. In summary, the available evidence is currently insufficient to determine the role of this variant in disease. Therefore, it has been classified as a Variant of Uncertain Significance.

Ambry Genetics
Classification: Uncertain significance. Last evaluated: 2024-07-09. Review status: criteria provided, single submitter. Criteria: Ambry Variant Classification Scheme 2023. Collection method: clinical testing. Allele origin: germline.

NM_144631.6(ZNF513):c.265T>A (p.Ser89Thr)

Gene: ZNF513 (zinc finger protein 513; minus strand). Cytogenetic location: 2p23.3.
Variant type: single nucleotide variant.
Coding change: c.265T>A on transcript NM_144631.6 (MANE Select); coding-DNA position 265, T replaced by A.
Protein change: p.Ser89Thr; replaces serine 89 with threonine.
Molecular consequence: missense variant.
Genome position (GRCh38, 1-based): chr2:27,379,001, A>T on the plus strand (T>A on the coding strand, the complement: ZNF513 is on the minus strand). VCF-style: chr2-27379001-A-T. GRCh37 (hg19) VCF-style: chr2-27601868-A-T.
Other names: c.79T>A, p.Ser27Thr (NM_001201459.2); short protein forms S27T, S89T.
Identifiers: ClinVar variation 3476605 (VCV003476605.2).